The following is an entry in ClinVar:

NM_000075.4(CDK4):c.820-5C>T

Genes: MIR6759 (microRNA 6759; minus strand), CDK4 (cyclin dependent kinase 4; minus strand), TSPAN31 (tetraspanin 31; plus strand). Cytogenetic location: 12q14.1.
Variant type: single nucleotide variant.
Coding change: c.820-5C>T on transcript NM_000075.4 (MANE Select); 5 bases into the intron before coding-DNA position 820, C replaced by T.
Molecular consequence: intron variant. On other transcripts: non-coding transcript variant (1), 3 prime UTR variant (3).
Genome position (GRCh38, 1-based): chr12:57,748,622, G>A on the plus strand (C>T on the coding strand, the complement: CDK4 is on the minus strand). VCF-style: chr12-57748622-G-A. GRCh37 (hg19) VCF-style: chr12-58142405-G-A.
Other names: c.*1332G>A (NM_001330168.2, NM_001330169.2, NM_005981.5).
Identifiers: ClinVar variation 1113929 (VCV001113929.10), dbSNP rs2140381317, ClinGen allele CA2499221777.

ClinVar aggregate classification (germline): Conflicting classifications of pathogenicity. Review status: criteria provided, conflicting classifications (1 of 4 stars). 2 submissions from 2 submitters: Uncertain significance (1); Likely benign (1). Last evaluated 2024-02-07.

Conditions:
Familial melanoma. Also called: Hereditary melanoma; Hereditary cutaneous melanoma. Identifiers: Orphanet 618, MedGen C1512419, MONDO:0018961.
Hereditary cancer-predisposing syndrome. Also called: Hereditary neoplastic syndrome; Hereditary Cancer Syndrome; Neoplastic Syndromes, Hereditary; Tumor predisposition. Identifiers: Orphanet 140162, MedGen C0027672, MeSH D009386, MONDO:0015356.

Submissions (2):

Ambry Genetics
Classification: Uncertain significance for Hereditary cancer-predisposing syndrome. Last evaluated: 2024-02-07. Review status: criteria provided, single submitter. Criteria: Ambry Variant Classification Scheme 2023. Collection method: clinical testing. Allele origin: germline.
Comment: The c.820-5C>T intronic variant results from a C to T substitution 5 nucleotides upstream from coding exon 7 in the CDK4 gene. This nucleotide position is not well conserved in available vertebrate species. In silico splice site analysis predicts that this alteration will not have any significant effect on splicing. Based on the available evidence, the clinical significance of this alteration remains unclear.

Labcorp Genetics (formerly Invitae), Labcorp
Classification: Likely benign for Familial melanoma. Last evaluated: 2019-10-03. Review status: criteria provided, single submitter. Criteria: Invitae Variant Classification Sherloc (09022015). Collection method: clinical testing. Allele origin: germline.